The following is an entry in ClinVar:

NM_004385.5(VCAN):c.2671A>T (p.Ile891Phe)

Gene: VCAN (versican; plus strand). Cytogenetic location: 5q14.3.
Variant type: single nucleotide variant.
Coding change: c.2671A>T on transcript NM_004385.5 (MANE Select); coding-DNA position 2671, A replaced by T.
Protein change: p.Ile891Phe; replaces isoleucine 891 with phenylalanine.
Molecular consequence: missense variant. On other transcripts: intron variant (2).
Genome position (GRCh38, 1-based): chr5:83,520,977, A>T. VCF-style: chr5-83520977-A-T. GRCh37 (hg19) VCF-style: chr5-82816796-A-T.
Other names: c.2671A>T, p.Ile891Phe (NM_001164098.2); c.1042+8581A>T (NM_001164097.2, NM_001126336.3); short protein forms I891F.
Identifiers: ClinVar variation 3650845 (VCV003650845.2).

ClinVar aggregate classification (germline): Uncertain significance (1 of 4 stars; one submission).

Submission:

Labcorp Genetics (formerly Invitae), Labcorp
Classification: Uncertain significance. Last evaluated: 2024-04-25. Review status: criteria provided, single submitter. Criteria: Invitae Variant Classification Sherloc (09022015). Collection method: clinical testing. Allele origin: germline.
Comment: This sequence change replaces isoleucine, which is neutral and non-polar, with phenylalanine, which is neutral and non-polar, at codon 891 of the VCAN protein (p.Ile891Phe). This variant is not present in population databases (gnomAD no frequency). This variant has not been reported in the literature in individuals affected with VCAN-related conditions. An algorithm developed to predict the effect of missense changes on protein structure and function (PolyPhen-2) suggests that this variant is likely to be disruptive. In summary, the available evidence is currently insufficient to determine the role of this variant in disease. Therefore, it has been classified as a Variant of Uncertain Significance.